The following is an entry in ClinVar:

ClinVar aggregate classification (germline): Uncertain significance (1 of 4 stars; one submission).

Conditions:
Primary ciliary dyskinesia. Also called: Ciliary dyskinesia. Identifiers: Orphanet 244, MedGen C0008780, MONDO:0016575, HP:0012265.

Submission:

Labcorp Genetics (formerly Invitae), Labcorp
Classification: Uncertain significance for Primary ciliary dyskinesia. Last evaluated: 2022-10-15. Review status: criteria provided, single submitter. Criteria: Invitae Variant Classification Sherloc (09022015). Collection method: clinical testing. Allele origin: germline.
Comment: This sequence change replaces alanine, which is neutral and non-polar, with serine, which is neutral and polar, at codon 83 of the RPGR protein (p.Ala83Ser). This variant also falls at the last nucleotide of exon 3, which is part of the consensus splice site for this exon. This variant is not present in population databases (gnomAD no frequency). This missense change has been observed in individual(s) with retinitis pigmentosa (PMID: 23591405). Algorithms developed to predict the effect of missense changes on protein structure and function are either unavailable or do not agree on the potential impact of this missense change (SIFT: "Deleterious"; PolyPhen-2: "Possibly Damaging"; Align-GVGD: "Class C0"). Variants that disrupt the consensus splice site are a relatively common cause of aberrant splicing (PMID: 17576681, 9536098). Algorithms developed to predict the effect of sequence changes on RNA splicing suggest that this variant may disrupt the consensus splice site. In summary, the available evidence is currently insufficient to determine the role of this variant in disease. Therefore, it has been classified as a Variant of Uncertain Significance.

Literature cited by the submitters: PubMed 23591405; PubMed 17576681; PubMed 9536098.

NM_001034853.2(RPGR):c.247G>T (p.Ala83Ser)

Gene: RPGR (retinitis pigmentosa GTPase regulator; minus strand). Cytogenetic location: Xp11.4.
Variant type: single nucleotide variant.
Coding change: c.247G>T on transcript NM_001034853.2 (MANE Select); coding-DNA position 247, G replaced by T.
Protein change: p.Ala83Ser; replaces alanine 83 with serine.
Molecular consequence: missense variant. On other transcripts: non-coding transcript variant (6).
Genome position (GRCh38, 1-based): chrX:38,322,853, C>A on the plus strand (G>T on the coding strand, the complement: RPGR is on the minus strand). VCF-style: chrX-38322853-C-A. GRCh37 (hg19) VCF-style: chrX-38182106-C-A.
Other names: c.247G>T, p.Ala83Ser (NM_000328.3, NM_001367245.1, NM_001367246.1 and 4 more transcripts); c.277G>T, p.Ala93Ser (NM_001367248.1); short protein forms A83S, A93S.
Identifiers: ClinVar variation 2138546 (VCV002138546.4), dbSNP rs2067974263, ClinGen allele CA412745494.